The following is an entry in ClinVar:

ClinVar aggregate classification (germline): Uncertain significance (1 of 4 stars; one submission).

Conditions:
Bloom syndrome (BLM). Also called: Bloom-Torre-Machacek syndrome. Identifiers: Orphanet 125, MedGen C0005859, MONDO:0008876, OMIM 210900.

Submission:

Labcorp Genetics (formerly Invitae), Labcorp
Classification: Uncertain significance for Bloom syndrome. Last evaluated: 2022-11-16. Review status: criteria provided, single submitter. Criteria: Invitae Variant Classification Sherloc (09022015). Collection method: clinical testing. Allele origin: germline.
Comment: This sequence change replaces aspartic acid, which is acidic and polar, with alanine, which is neutral and non-polar, at codon 560 of the BLM protein (p.Asp560Ala). This variant is not present in population databases (gnomAD no frequency). This variant has not been reported in the literature in individuals affected with BLM-related conditions. Advanced modeling of protein sequence and biophysical properties (such as structural, functional, and spatial information, amino acid conservation, physicochemical variation, residue mobility, and thermodynamic stability) performed at Invitae indicates that this missense variant is not expected to disrupt BLM protein function. In summary, the available evidence is currently insufficient to determine the role of this variant in disease. Therefore, it has been classified as a Variant of Uncertain Significance.

NM_000057.4(BLM):c.1679A>C (p.Asp560Ala)

Gene: BLM (BLM RecQ like helicase; plus strand). Cytogenetic location: 15q26.1.
Variant type: single nucleotide variant.
Coding change: c.1679A>C on transcript NM_000057.4 (MANE Select); coding-DNA position 1679, A replaced by C.
Protein change: p.Asp560Ala; replaces aspartic acid 560 with alanine.
Molecular consequence: missense variant.
Genome position (GRCh38, 1-based): chr15:90,761,052, A>C. VCF-style: chr15-90761052-A-C. GRCh37 (hg19) VCF-style: chr15-91304282-A-C.
Other names: c.1679A>C, p.Asp560Ala (NM_001287246.2, NM_001287247.2); c.554A>C, p.Asp185Ala (NM_001287248.2); short protein forms D560A, D185A.
Identifiers: ClinVar variation 2814782 (VCV002814782.3), dbSNP rs2151158728, ClinGen allele CA393843596.